The following is an entry in ClinVar:

ClinVar aggregate classification (germline): Conflicting classifications of pathogenicity. Review status: criteria provided, conflicting classifications (1 of 4 stars). 3 submissions from 3 submitters: Uncertain significance (2); Likely benign (1). Last evaluated 2024-11-12.

Allele frequency attached by ClinVar (database versions not stated): gnomAD 0.00001; ExAC 0.00002; gnomAD exomes 0.00002 and 0.00006; TOPMed 0.00003.
gnomAD v4.1: 81 of 1,611,576 alleles (0.005%); highest among the groups gnomAD compares: Non-Finnish European, 0.0066%; no homozygotes.

Submissions (3):

Labcorp Genetics (formerly Invitae), Labcorp
Classification: Uncertain significance. Last evaluated: 2024-11-12. Review status: criteria provided, single submitter. Criteria: Invitae Variant Classification Sherloc (09022015). Collection method: clinical testing. Allele origin: germline.
Comment: This sequence change replaces alanine, which is neutral and non-polar, with valine, which is neutral and non-polar, at codon 406 of the RNF31 protein (p.Ala406Val). This variant is present in population databases (rs202057821, gnomAD 0.008%). This variant has not been reported in the literature in individuals affected with RNF31-related conditions. ClinVar contains an entry for this variant (Variation ID: 1444480). An algorithm developed to predict the effect of missense changes on protein structure and function (PolyPhen-2) suggests that this variant is likely to be tolerated. In summary, the available evidence is currently insufficient to determine the role of this variant in disease. Therefore, it has been classified as a Variant of Uncertain Significance.

Ambry Genetics
Classification: Uncertain significance. Last evaluated: 2023-12-21. Review status: criteria provided, single submitter. Criteria: Ambry Variant Classification Scheme 2023. Collection method: clinical testing. Allele origin: germline.

Blueprint Genetics
Classification: Likely benign. Last evaluated: 2022-11-14. Review status: criteria provided, single submitter. Criteria: ACMG Guidelines, 2015. Collection method: clinical testing. Allele origin: germline.

NM_017999.5(RNF31):c.1217C>T (p.Ala406Val)

Gene: RNF31 (ring finger protein 31; plus strand). Cytogenetic location: 14q12.
Variant type: single nucleotide variant.
Coding change: c.1217C>T on transcript NM_017999.5 (MANE Select); coding-DNA position 1217, C replaced by T.
Protein change: p.Ala406Val; replaces alanine 406 with valine.
Molecular consequence: missense variant.
Genome position (GRCh38, 1-based): chr14:24,150,617, C>T. VCF-style: chr14-24150617-C-T. GRCh37 (hg19) VCF-style: chr14-24619826-C-T.
Other names: c.1217C>T (NM_017999.4); c.764C>T, p.Ala255Val (NM_001310332.2); short protein forms A255V, A406V.
Identifiers: ClinVar variation 1444480 (VCV001444480.10), dbSNP rs202057821, ClinGen allele CA7125727.
Genomic context (GRCh38, chr14:24,150,617, plus strand): 5'-CAGCCAGCCAGTCAAAGGGATAATTCTCTCTGCCTTCCCAGCAGGGGGATGCTTTGCTGG[C>T]CTCTGCCCAGAGTCAAGTCTGGTACTGTATTCACTGTACCTTCTGCAACTCGAGCCCTGG-3'
Protein context (NP_060469.4, residues 396-416): QPLQQGDALL[Ala406Val]SAQSQVWYCI